The following is an entry in ClinVar:

ClinVar aggregate classification (germline): Pathogenic. Review status: reviewed by expert panel (3 of 4 stars). 5 submissions from 5 submitters: Pathogenic (1). 4 of the submissions do not count toward it. Last evaluated 2024-07-23.

Conditions:
RPE65-related recessive retinopathy. Also called: Recessive RPE65 retinopathy. Identifiers: MedGen CN305526, MONDO:0100368.
Retinitis pigmentosa 20 (RP20). Identifiers: Orphanet 791, MedGen C3151086, MONDO:0013425, OMIM 613794.
Leber congenital amaurosis 2 (LCA2). Also called: AMAUROSIS CONGENITA OF LEBER II; Autosomal Recessive RPE65-Related Retinal Degeneration. Identifiers: Orphanet 65, MedGen C1859844, MONDO:0008765, OMIM 204100. Disease mechanism: loss of function.

Allele frequency attached by ClinVar (database versions not stated): gnomAD exomes below 0.00001.
gnomAD v4.1: 3 of 1,613,712 alleles (0.00019%); highest among the groups gnomAD compares: Non-Finnish European, 0.00025%; no homozygotes.

Submissions (5):

ClinGen Leber Congenital Amaurosis/early Onset Retinal Dystrophy Variant Curation Expert Panel, ClinGen
Classification: Pathogenic for RPE65-related recessive retinopathy. Last evaluated: 2024-07-23. Review status: reviewed by expert panel. Criteria: ClinGen LCAeoRD ACMG Specifications RPE65 V1.0.0. Collection method: curation. Allele origin: germline. Inheritance: Autosomal recessive inheritance.
Comment: NM_000329.3(RPE65):c.1580A>G is a missense variant predicted to replace histidine with arginine at position 527, which is located within the active site, a well-characterized functional domain required for enzymatic activity (PM1, PMID: 34492281). This variant is present in gnomAD v.2.1.1 at an allele frequency of 0.000008877, with 1 allele / 112652 total alleles in the European non-Finnish population, which is lower than the ClinGen LCA / eoRD VCEP PM2_Supporting threshold of <0.0002 (PM2_Supporting). This variant has been reported in at least 1 proband with early-onset severe retinal dystrophy who was compound heterozygous with the NM_000329.3(RPE65):c.499G>T (p.Asp167Tyr) variant confirmed in trans, which was previously classified pathogenic by the ClinGen LCA / eoRD VCEP (1 point, PMID: 35904185, PM3). At least one proband harboring this variant exhibits a phenotype of retinitis pigmentosa with early childhood onset including progressive vision loss (1 pt), early onset nyctalopia (0.5 pts), severely depressed electroretinogram responses from rods (0.5 pts) and cones (1 pt), tritanomaly, white retinal flecks (2 pts), retinal pigment epithelium mottling (0.5 pts), attenuated retinal vessels (0.5 pts), complete loss of peripheral fundus autofluorescence (2 pts), and outer nuclear layer thickness at the low end of the normal range, which together are highly specific for RPE65-related recessive retinopathy (total 8 pts, PMID: 17525851, PP4_Moderate). The computational predictor REVEL gives a score of 0.991, which is above the ClinGen LCA / eoRD VCEP threshold of ≥0.773 and predicts a damaging effect on RPE65 function (PP3_Moderate). The variant exhibited 0% enzymatic activity in a retinoid isomerase assay relative to the wild-type control, which is lower than the ClinGen LCA / eoRD VCEP PS3_Supporting threshold of <10% activity, indicating that it triggers a severe defect in protein function (PS3_Supporting, PMID: 24849605). In summary, this variant meets the criteria to be classified as pathogenic for RPE65-related recessive retinopathy based on the ACMG/AMP criteria applied, as specified by the ClinGen LCA / eoRD VCEP: PS3_Supporting, PM1, PM2_Supporting, PM3, PP3_Moderate, and PP4_Moderate. (VCEP specifications version 1.0.0; date of approval 09/21/2023).

Myriad Genetics, Inc.
Classification: Likely pathogenic for RPE65-related recessive retinopathy. Last evaluated: 2026-04-24. Review status: criteria provided, single submitter. Criteria: Myriad Autosomal Dominant, Autosomal Recessive and X-Linked Classification Criteria (2023). Collection method: clinical testing. Allele origin: unknown. Not counted in ClinVar's aggregate classification.
Comment: NM_000329.2(RPE65):c.1580A>G(H527R) is a missense variant classified as likely pathogenic in the context of inherited retinal dystrophy, RPE65-related. H527R has been observed in cases with relevant disease (PMID: 35904185, 17525851). Relevant functional assessments of this variant are available in the literature (PMID: 24849605). Internal structural analysis of the variant is supportive of pathogenicity. H527R has been observed in referenced population frequency databases. In summary, NM_000329.2(RPE65):c.1580A>G(H527R) is a missense variant that has both functional and internal structural support for pathogenicity and has been observed more frequently in cases with the relevant disease than in healthy populations. Please note: this variant was assessed in the context of healthy population screening.

Labcorp Genetics (formerly Invitae), Labcorp
Classification: Likely pathogenic for Leber congenital amaurosis 2; Retinitis pigmentosa 20. Last evaluated: 2025-09-08. Review status: criteria provided, single submitter. Criteria: Invitae Variant Classification Sherloc (09022015). Collection method: clinical testing. Allele origin: germline. Not counted in ClinVar's aggregate classification.
Comment: This sequence change replaces histidine, which is basic and polar, with arginine, which is basic and polar, at codon 527 of the RPE65 protein (p.His527Arg). This variant is present in population databases (no rsID available, gnomAD 0.0009%). This missense change has been observed in individual(s) with clinical features of RPE65-related conditions (PMID: 17525851, 35904185). In at least one individual the data is consistent with being in trans (on the opposite chromosome) from a pathogenic variant. ClinVar contains an entry for this variant (Variation ID: 1445004). Invitae Evidence Modeling of protein sequence and biophysical properties (such as structural, functional, and spatial information, amino acid conservation, physicochemical variation, residue mobility, and thermodynamic stability) indicates that this missense variant is expected to disrupt RPE65 protein function with a positive predictive value of 80%. Experimental studies have shown that this missense change affects RPE65 function (PMID: 24849605). This variant disrupts the p.His527 amino acid residue in RPE65. Other variant(s) that disrupt this residue have been observed in individuals with RPE65-related conditions (PMID: 5129589, 30268864), which suggests that this may be a clinically significant amino acid residue. In summary, the currently available evidence indicates that the variant is pathogenic, but additional data are needed to prove that conclusively. Therefore, this variant has been classified as Likely Pathogenic.

Baylor Genetics
Classification: Likely pathogenic for Leber congenital amaurosis 2. Last evaluated: 2024-01-11. Review status: criteria provided, single submitter. Criteria: ACMG Guidelines, 2015. Collection method: clinical testing. Allele origin: unknown. Not counted in ClinVar's aggregate classification.

Blueprint Genetics
Classification: Uncertain significance. Last evaluated: 2021-11-25. Review status: criteria provided, single submitter. Criteria: ACMG Guidelines, 2015. Collection method: clinical testing. Allele origin: germline. Not counted in ClinVar's aggregate classification.

Literature cited by the submitters: PubMed 17525851 (cited by Myriad Genetics, Inc. and Labcorp Genetics (formerly Invitae), Labcorp); PubMed 24849605 (cited by Myriad Genetics, Inc. and Labcorp Genetics (formerly Invitae), Labcorp); PubMed 35904185 (cited by Myriad Genetics, Inc. and Labcorp Genetics (formerly Invitae), Labcorp); PubMed 5129589 (cited by Labcorp Genetics (formerly Invitae), Labcorp); PubMed 30268864 (cited by Labcorp Genetics (formerly Invitae), Labcorp).

NM_000329.3(RPE65):c.1580A>G (p.His527Arg)

Gene: RPE65 (retinoid isomerohydrolase RPE65; minus strand). Cytogenetic location: 1p31.3.
Variant type: single nucleotide variant.
Coding change: c.1580A>G on transcript NM_000329.3 (MANE Select); coding-DNA position 1580, A replaced by G.
Protein change: p.His527Arg; replaces histidine 527 with arginine.
Molecular consequence: missense variant.
Genome position (GRCh38, 1-based): chr1:68,429,798, T>C on the plus strand (A>G on the coding strand, the complement: RPE65 is on the minus strand). VCF-style: chr1-68429798-T-C. GRCh37 (hg19) VCF-style: chr1-68895481-T-C.
Other names: NM_000329.3(RPE65):c.1580A>G; p.His527Arg; short protein forms H527R.
Identifiers: ClinVar variation 1445004 (VCV001445004.11), dbSNP rs1194458561, ClinGen allele CA340740585.